The following is an entry in ClinVar:

NM_001371928.1(AHDC1):c.1741A>G (p.Met581Val)

Gene: AHDC1 (AT-hook DNA binding motif containing 1; minus strand). Cytogenetic location: 1p36.11.
Variant type: single nucleotide variant.
Coding change: c.1741A>G on transcript NM_001371928.1 (MANE Select); coding-DNA position 1741, A replaced by G.
Protein change: p.Met581Val; replaces methionine 581 with valine.
Molecular consequence: missense variant.
Genome position (GRCh38, 1-based): chr1:27,550,375, T>C on the plus strand (A>G on the coding strand, the complement: AHDC1 is on the minus strand). VCF-style: chr1-27550375-T-C. GRCh37 (hg19) VCF-style: chr1-27876886-T-C.
Other names: c.1741A>G, p.Met581Val (NM_001029882.3); short protein forms M581V.
Identifiers: ClinVar variation 3020835 (VCV003020835.3), dbSNP rs371241974, ClinGen allele CA715894.

ClinVar aggregate classification (germline): Uncertain significance (1 of 4 stars; one submission).

Allele frequency attached by ClinVar (database versions not stated): ExAC 0.00001; gnomAD 0.00001; TOPMed 0.00002; gnomAD exomes 0.00003; ESP Exome Variant Server 0.00008.
gnomAD v4.1: 45 of 1,613,040 alleles (0.0028%); highest among the groups gnomAD compares: Non-Finnish European, 0.0037%; no homozygotes.

Submission:

Labcorp Genetics (formerly Invitae), Labcorp
Classification: Uncertain significance. Last evaluated: 2024-12-07. Review status: criteria provided, single submitter. Criteria: Invitae Variant Classification Sherloc (09022015). Collection method: clinical testing. Allele origin: germline.
Comment: This sequence change replaces methionine, which is neutral and non-polar, with valine, which is neutral and non-polar, at codon 581 of the AHDC1 protein (p.Met581Val). This variant is present in population databases (rs371241974, gnomAD 0.003%). This variant has not been reported in the literature in individuals affected with AHDC1-related conditions. ClinVar contains an entry for this variant (Variation ID: 3020835). An algorithm developed to predict the effect of missense changes on protein structure and function outputs the following: PolyPhen-2: "Benign". The valine amino acid residue is found in multiple mammalian species, which suggests that this missense change does not adversely affect protein function. In summary, the available evidence is currently insufficient to determine the role of this variant in disease. Therefore, it has been classified as a Variant of Uncertain Significance.